The following is an entry in ClinVar:

NM_000243.3(MEFV):c.2314A>G (p.Ile772Val)

Gene: MEFV (MEFV innate immunity regulator, pyrin; minus strand). Cytogenetic location: 16p13.3.
Variant type: single nucleotide variant.
Coding change: c.2314A>G on transcript NM_000243.3 (MANE Select); coding-DNA position 2314, A replaced by G.
Protein change: p.Ile772Val; replaces isoleucine 772 with valine.
Molecular consequence: missense variant. On other transcripts: 3 prime UTR variant (1).
Genome position (GRCh38, 1-based): chr16:3,243,173, T>C on the plus strand (A>G on the coding strand, the complement: MEFV is on the minus strand). VCF-style: chr16-3243173-T-C. GRCh37 (hg19) VCF-style: chr16-3293173-T-C.
Other names: c.*518A>G (NM_001198536.2); short protein forms I772V.
Identifiers: ClinVar variation 97509 (VCV000097509.13), dbSNP rs104895163, ClinGen allele CA280566.
Genomic context (GRCh38, chr16:3,243,173, plus strand): 5'-GCAGGAAGAGAGATGCAGTGTTGGGCATTCAGTCAGGCCCCTGACCACCCACTGGACAGA[T>C]AGTCAGAGGAGCTGTGTTCTTCCCTCCATCACGTGTCCCAGGGCTGAAGATAGGTTGAAG-3'
Protein context (NP_000234.1, residues 762-781): DGGKNTAPLT[Ile772Val]CPVGGQGPD

ClinVar aggregate classification (germline): Conflicting classifications of pathogenicity. Review status: criteria provided, conflicting classifications (1 of 4 stars). 9 submissions from 7 submitters: Uncertain significance (4); Benign (2); Likely benign (1). 2 of the submissions do not count toward it. Last evaluated 2024-05-21.

Conditions:
Acute febrile neutrophilic dermatosis (AFND). Also called: Gomm Button disease; Sweet Syndrome. Identifiers: Orphanet 3243, MedGen C0085077, MONDO:0011959, OMIM 608068.
Familial Mediterranean fever (FMF). Also called: POLYSEROSITIS, FAMILIAL PAROXYSMAL; POLYSEROSITIS, RECURRENT; Periodic peritonitis; Benign paroxysmal peritonitis. Identifiers: Orphanet 342, MedGen C0031069, MONDO:0018088, OMIM 249100. Disease mechanism: gain of function.
Familial Mediterranean fever, autosomal dominant. Also called: FMF, AUTOSOMAL DOMINANT; Dominant Familial Mediterranean Fever. Identifiers: Orphanet 342, MedGen C1851347, MONDO:0007601, OMIM 134610.

Allele frequency attached by ClinVar (database versions not stated): gnomAD exomes 0.00001 and below 0.00001; ExAC 0.00001; gnomAD 0.00001; TOPMed 0.00001.

Submissions (9):

Fulgent Genetics
Classification: Uncertain significance for Familial Mediterranean fever, autosomal dominant; Familial Mediterranean fever; Acute febrile neutrophilic dermatosis. Last evaluated: 2024-05-21. Review status: criteria provided, single submitter. Criteria: ACMG Guidelines, 2015. Collection method: clinical testing. Allele origin: germline.

Genome-Nilou Lab
Classification: Likely benign for Familial Mediterranean fever. Last evaluated: 2023-02-08. Review status: criteria provided, single submitter. Criteria: ACMG Guidelines, 2015. Collection method: clinical testing. Allele origin: germline.

Genome-Nilou Lab
Classification: Benign for Familial Mediterranean fever, autosomal dominant. Last evaluated: 2023-02-08. Review status: criteria provided, single submitter. Criteria: ACMG Guidelines, 2015. Collection method: clinical testing. Allele origin: germline.

Genome-Nilou Lab
Classification: Benign for Acute febrile neutrophilic dermatosis. Last evaluated: 2023-02-08. Review status: criteria provided, single submitter. Criteria: ACMG Guidelines, 2015. Collection method: clinical testing. Allele origin: germline.

Labcorp Genetics (formerly Invitae), Labcorp
Classification: Uncertain significance for Familial Mediterranean fever. Last evaluated: 2021-10-24. Review status: criteria provided, single submitter. Criteria: Invitae Variant Classification Sherloc (09022015). Collection method: clinical testing. Allele origin: germline.
Comment: This sequence change replaces isoleucine with valine at codon 772 of the MEFV protein (p.Ile772Val). The isoleucine residue is moderately conserved and there is a small physicochemical difference between isoleucine and valine. This variant is present in population databases (rs104895163, ExAC 0.002%). This variant has not been reported in the literature in individuals affected with MEFV-related conditions. ClinVar contains an entry for this variant (Variation ID: 97509). Algorithms developed to predict the effect of missense changes on protein structure and function (SIFT, PolyPhen-2, Align-GVGD) all suggest that this variant is likely to be tolerated. In summary, the available evidence is currently insufficient to determine the role of this variant in disease. Therefore, it has been classified as a Variant of Uncertain Significance.

Mendelics
Classification: Uncertain significance for Familial Mediterranean fever. Last evaluated: 2019-05-28. Review status: criteria provided, single submitter. Criteria: Mendelics Assertion Criteria 2017. Collection method: clinical testing. Allele origin: unknown.

GeneDx
Classification: Uncertain significance. Last evaluated: 2015-04-27. Review status: criteria provided, single submitter. Criteria: GeneDx Variant Classification (06012015). Collection method: clinical testing. Allele origin: germline. Affected: yes.
Comment: According to an external variant database, the I772V variant of unknown significance has been reported in asymptomatic patients with unknown consequence (Tourtet et al.,2006). This variant was not observed in approximately 6,500 individuals of European and African American ancestry in the NHLBI Exome Sequencing Project, indicating it is not a common benign variant in these populations. It is a conservative amino acid substitution, which is not likely to impact secondary protein structure as these residues share similar properties. The substitution occurs at a position that is not conserved across species and in-silico analysis predicts this variant likely does not alter the protein structure/function. Missense mutations in nearby residues (G764G, P769A, G779G, P780T) have been reported in the Human Gene Mutation Database in association with FMF (Stenson et al., 2014), supporting the functional importance of this region of the protein. Therefore, based on the currently available information, it is unclear whether this variant is a pathogenic mutation or a rare benign variant.

Natera, Inc.
Classification: Uncertain significance for Familial Mediterranean fever. Last evaluated: 2020-07-07. Review status: no assertion criteria provided. Collection method: clinical testing. Allele origin: germline. Not counted in ClinVar's aggregate classification.

Unité médicale des maladies autoinflammatoires, CHRU Montpellier
No classification provided. Condition: Familial Mediterranean fever. Review status: no classification provided. Collection method: not provided. Allele origin: unknown. Not counted in ClinVar's aggregate classification.